The following is an entry in ClinVar:

ClinVar aggregate classification (germline): Pathogenic. Review status: criteria provided, multiple submitters, no conflicts (2 of 4 stars). 2 submissions from 2 submitters: Pathogenic (2). Last evaluated 2020-03-17.

Conditions:
Hereditary cancer-predisposing syndrome. Also called: Hereditary neoplastic syndrome; Tumor predisposition; Neoplastic Syndromes, Hereditary; Hereditary Cancer Syndrome. Identifiers: Orphanet 140162, MedGen C0027672, MeSH D009386, MONDO:0015356.
Multiple endocrine neoplasia, type 1 (MEN1). Also called: MEN I; Endocrine adenomatosis multiple; MEN 1; WERMER SYNDROME; MEA I. Identifiers: Orphanet 652, MedGen C0025267, MeSH D018761, MONDO:0007540, OMIM 131100.

Submissions (2):

Labcorp Genetics (formerly Invitae), Labcorp
Classification: Pathogenic for Multiple endocrine neoplasia, type 1. Last evaluated: 2020-03-17. Review status: criteria provided, single submitter. Criteria: Invitae Variant Classification Sherloc (09022015). Collection method: clinical testing. Allele origin: germline.
Comment: For these reasons, this variant has been classified as Pathogenic. This variant disrupts the C-terminus of the MEN1 protein. Other variant(s) that disrupt this region (p.Lys559Glufs*38) have been determined to be pathogenic (PMID: 10090472, Invitae). This suggests that variants that disrupt this region of the protein are likely to be causative of disease. This variant has not been reported in the literature in individuals with MEN1-related conditions. ClinVar contains an entry for this variant (Variation ID: 428055). This variant is not present in population databases (ExAC no frequency). This sequence change results in a premature translational stop signal in the MEN1 gene (p.Thr525Lysfs*34). While this is not anticipated to result in nonsense mediated decay, it is expected to disrupt the last 86 amino acids of the MEN1 protein.

Ambry Genetics
Classification: Pathogenic for Hereditary cancer-predisposing syndrome. Last evaluated: 2018-12-28. Review status: criteria provided, single submitter. Criteria: Ambry Variant Classification Scheme 2023. Collection method: clinical testing. Allele origin: germline.
Comment: The c.1574delC pathogenic mutation, located in coding exon 9 of the MEN1 gene, results from a deletion of one nucleotide at position 1574, causing a translational frameshift with a predicted alternate stop codon (T525Kfs*34). This alteration is expected to result in loss of function by premature protein truncation. As such, this alteration is interpreted as a disease-causing mutation.

Literature cited by the submitters: PubMed 10090472 (cited by Labcorp Genetics (formerly Invitae), Labcorp).

NM_001370259.2(MEN1):c.1574del (p.Thr525fs)

Gene: MEN1 (menin 1; minus strand). Cytogenetic location: 11q13.1.
Variant type: Deletion.
Coding change: c.1574del on transcript NM_001370259.2 (MANE Select); coding-DNA position 1574, one base deleted (C; older notation c.1574delC).
Protein change: p.Thr525fs; shifts the reading frame from threonine 525.
Molecular consequence: frameshift variant.
Genome position (GRCh38, 1-based): chr11:64,804,593, G deleted on the plus strand (C on the coding strand, the reverse complement: MEN1 is on the minus strand). VCF-style (leftmost placement, unchanged base first): chr11-64804592-TG-T. GRCh37 (hg19) VCF-style: chr11-64572064-TG-T.
Other names: c.1574delC (NM_130799.2); c.1589del, p.Thr530fs (NM_000244.4, NM_130800.3, NM_130801.3 and 3 more transcripts); c.1700del, p.Thr567fs (NM_001370251.2); c.1574del, p.Thr525fs (NM_001370260.2, NM_001370261.2, NM_130799.3); c.1469del, p.Thr490fs (NM_001370262.2, NM_001370263.2); short protein forms T567fs, T525fs, T490fs, T530fs.
Identifiers: ClinVar variation 428055 (VCV000428055.13), dbSNP rs1114167514, ClinGen allele CA645369553.